The following is an entry in ClinVar:

NM_001287491.2(TET3):c.4607C>T (p.Ala1536Val)

Gene: TET3 (tet methylcytosine dioxygenase 3; plus strand). Cytogenetic location: 2p13.1.
Variant type: single nucleotide variant.
Coding change: c.4607C>T on transcript NM_001287491.2 (MANE Select); coding-DNA position 4607, C replaced by T.
Protein change: p.Ala1536Val; replaces alanine 1536 with valine.
Molecular consequence: missense variant.
Genome position (GRCh38, 1-based): chr2:74,101,395, C>T. VCF-style: chr2-74101395-C-T. GRCh37 (hg19) VCF-style: chr2-74328522-C-T.
Other names: c.4328C>T, p.Ala1443Val (NM_001366022.1); c.4202C>T, p.Ala1401Val (NM_144993.1); short protein forms A1401V, A1443V, A1536V.
Identifiers: ClinVar variation 2579428 (VCV002579428.3), dbSNP rs750244469, ClinGen allele CA1719263.

ClinVar aggregate classification (germline): Uncertain significance (1 of 4 stars; one submission).

Allele frequency attached by ClinVar (database versions not stated): gnomAD 0.00003; ExAC 0.00004; TOPMed 0.00004.

Submission:

GeneDx
Classification: Uncertain significance. Last evaluated: 2026-08-27. Review status: criteria provided, single submitter. Criteria: GeneDx Variant Classification Process June 2021. Collection method: clinical testing. Allele origin: germline.
Comment: In silico analysis suggests that this missense variant does not alter protein structure/function; Has not been previously published as pathogenic or benign to our knowledge